The following is an entry in ClinVar:

ClinVar aggregate classification (germline): Likely pathogenic. Review status: criteria provided, multiple submitters, no conflicts (2 of 4 stars). 3 submissions from 3 submitters: Likely pathogenic (3). Last evaluated 2025-04-16.

Conditions:
LAMB3-related disorder. Also called: LAMB3-related condition.
Junctional epidermolysis bullosa. Identifiers: Orphanet 305, MedGen C0079301, MONDO:0017612.

Allele frequency attached by ClinVar (database versions not stated): gnomAD exomes below 0.00001; ExAC 0.00001; gnomAD 0.00001.

Submissions (3):

Women's Health and Genetics/Laboratory Corporation of America, LabCorp
Classification: Likely pathogenic for Junctional epidermolysis bullosa. Last evaluated: 2025-04-16. Review status: criteria provided, single submitter. Criteria: LabCorp Variant Classification Summary - May 2015. Collection method: clinical testing. Allele origin: germline.
Comment: Variant summary: LAMB3 c.3G>A (p.Met1Ile) alters the initiation codon and is predicted to result either in absence of the protein or truncation of the encoded protein due to translation initiation at a downstream codon. The next in-frame methionine is located at codon 64 and at-least one putatively pathogenic variant, c.125G>C (p.Arg42Pro), located upstream of this closest in-frame start codon has been reported as a biallelic genotype in an individual affected with Junctional Epidermolysis Bullosa (PMID 36299258). This supports a critical relevance of this region to LAMB3 protein function. Three of four in-silico tools predict a damaging effect of the variant on protein function. The variant allele was found at a frequency of 8e-06 in 251490 control chromosomes. c.3G>A has been reported in the literature in an individual affected with Junctional Epidermolysis Bullosa in trans with a truncating variant (Cserhalmi-Friedman_2000). To our knowledge, no experimental evidence demonstrating an impact on protein function has been reported. The following publication have been ascertained in the context of this evaluation (PMID: 10949552). ClinVar contains an entry for this variant (Variation ID: 2573382). Based on the evidence outlined above, the variant was classified as likely pathogenic.

Labcorp Genetics (formerly Invitae), Labcorp
Classification: Likely pathogenic. Last evaluated: 2023-09-08. Review status: criteria provided, single submitter. Criteria: Invitae Variant Classification Sherloc (09022015). Collection method: clinical testing. Allele origin: germline.
Comment: This sequence change affects the initiator methionine of the LAMB3 mRNA. The next in-frame methionine is located at codon 64. This variant is present in population databases (rs766177957, gnomAD 0.01%). In summary, the currently available evidence indicates that the variant is pathogenic, but additional data are needed to prove that conclusively. Therefore, this variant has been classified as Likely Pathogenic. This variant disrupts a region of the LAMB3 protein in which other variant(s) (p.Arg42Pro) have been observed in individuals with LAMB3-related conditions (PMID: 36299258). This suggests that this is a clinically significant region of the protein, and that variants that disrupt it are likely to be disease-causing. Experimental studies and prediction algorithms are not available or were not evaluated, and the functional significance of this variant is currently unknown. ClinVar contains an entry for this variant (Variation ID: 2573382). Disruption of the initiator codon has been observed in individual(s) with autosomal recessive junctional epidermolysis bullosa (PMID: 10949552). In at least one individual the data is consistent with being in trans (on the opposite chromosome) from a pathogenic variant.

Blueprint Genetics
Classification: Likely pathogenic for LAMB3-related disorders. Last evaluated: 2020-09-24. Review status: criteria provided, single submitter. Criteria: ACMG Guidelines, 2015. Collection method: clinical testing. Allele origin: germline. Affected: yes. Observed: 1 variant allele.

Literature cited by the submitters: PubMed 10949552 (cited by Women's Health and Genetics/Laboratory Corporation of America, LabCorp and Labcorp Genetics (formerly Invitae), Labcorp); PubMed 36299258 (cited by Labcorp Genetics (formerly Invitae), Labcorp).

NM_000228.3(LAMB3):c.3G>A (p.Met1Ile)

Gene: LAMB3 (laminin subunit beta 3; minus strand). Cytogenetic location: 1q32.2.
Variant type: single nucleotide variant.
Coding change: c.3G>A on transcript NM_000228.3 (MANE Select); coding-DNA position 3, G replaced by A.
Protein change: p.Met1Ile; changes the start codon (methionine 1).
Molecular consequence: missense variant, initiator codon variant.
Genome position (GRCh38, 1-based): chr1:209,650,942, C>T on the plus strand (G>A on the coding strand, the complement: LAMB3 is on the minus strand). VCF-style: chr1-209650942-C-T. GRCh37 (hg19) VCF-style: chr1-209824287-C-T.
Other names: c.3G>A, p.Met1Ile (NM_001017402.2, NM_001127641.1); short protein forms M1I.
Identifiers: ClinVar variation 2573382 (VCV002573382.7), dbSNP rs766177957, ClinGen allele CA1376145.
Genomic context (GRCh38, chr1:209,650,942, plus strand): 5'-TAACAGGGCCTGGAAGGATGGGAAGGGGTACTTACCAAAACACAAGAGGAAGAATGGTCT[C>T]ATCTTCAGCCAATGGGGTGATCCCCAGAAAGGACCTTTCCTAGGACACAGCAAAGCAAAC-3'
Protein context (NP_000219.2, residues 1-11): [Met1Ile]RPFFLLCFAL